The following is an entry in ClinVar:

ClinVar aggregate classification (germline): Uncertain significance (1 of 4 stars; one submission).

Conditions:
Hereditary cancer-predisposing syndrome. Also called: Tumor predisposition; Hereditary neoplastic syndrome; Hereditary Cancer Syndrome; Neoplastic Syndromes, Hereditary. Identifiers: Orphanet 140162, MedGen C0027672, MeSH D009386, MONDO:0015356.

Submission:

Ambry Genetics
Classification: Uncertain significance for Hereditary cancer-predisposing syndrome. Last evaluated: 2024-01-18. Review status: criteria provided, single submitter. Criteria: Ambry Variant Classification Scheme 2023. Collection method: clinical testing. Allele origin: germline.
Comment: The p.Q336R variant (also known as c.1007A>G), located in coding exon 8 of the POLD1 gene, results from an A to G substitution at nucleotide position 1007. The glutamine at codon 336 is replaced by arginine, an amino acid with highly similar properties. This amino acid position is well conserved in available vertebrate species. In addition, the in silico prediction for this alteration is inconclusive. Based on the available evidence, the clinical significance of this alteration remains unclear.

NM_002691.4(POLD1):c.1007A>G (p.Gln336Arg)

Gene: POLD1 (DNA polymerase delta 1, catalytic subunit; plus strand). Cytogenetic location: 19q13.33.
Variant type: single nucleotide variant.
Coding change: c.1007A>G on transcript NM_002691.4 (MANE Select); coding-DNA position 1007, A replaced by G.
Protein change: p.Gln336Arg; replaces glutamine 336 with arginine.
Molecular consequence: missense variant. On other transcripts: non-coding transcript variant (1).
Genome position (GRCh38, 1-based): chr19:50,403,089, A>G. VCF-style: chr19-50403089-A-G. GRCh37 (hg19) VCF-style: chr19-50906346-A-G.
Other names: c.1007A>G, p.Gln336Arg (NM_001256849.1, NM_001308632.1); short protein forms Q336R.
Identifiers: ClinVar variation 3222688 (VCV003222688.1), dbSNP rs2513972935, ClinGen allele CA406977943.